The following is an entry in ClinVar:

NM_005228.5(EGFR):c.88+2T>G

Gene: EGFR (epidermal growth factor receptor; plus strand). Cytogenetic location: 7p11.2.
Variant type: single nucleotide variant.
Coding change: c.88+2T>G on transcript NM_005228.5 (MANE Select); the canonical splice donor site of the intron after coding-DNA position 88, T replaced by G.
Molecular consequence: splice donor variant.
Genome position (GRCh38, 1-based): chr7:55,019,367, T>G. VCF-style: chr7-55019367-T-G. GRCh37 (hg19) VCF-style: chr7-55087060-T-G.
Other names: c.88+2T>G (NM_001346899.2, NM_001346941.2, NM_001346898.2 and 5 more transcripts).
Identifiers: ClinVar variation 2855787 (VCV002855787.4), dbSNP rs1398828108, ClinGen allele CA367611329.

ClinVar aggregate classification (germline): Conflicting classifications of pathogenicity. Review status: criteria provided, conflicting classifications (1 of 4 stars). 2 submissions from 2 submitters: Likely pathogenic (1); Uncertain significance (1). Last evaluated 2025-09-05.

Conditions:
Hereditary cancer-predisposing syndrome. Also called: Neoplastic Syndromes, Hereditary; Hereditary neoplastic syndrome; Tumor predisposition; Hereditary Cancer Syndrome. Identifiers: Orphanet 140162, MedGen C0027672, MeSH D009386, MONDO:0015356.
EGFR-related lung cancer (EGFR). Identifiers: MedGen CN130014.

Allele frequency attached by ClinVar (database versions not stated): gnomAD exomes below 0.00001.
gnomAD v4.1: 1 of 1,486,114 alleles (0.000067%); highest among the groups gnomAD compares: Admixed American, 0.002%; no homozygotes.

Submissions (2):

Ambry Genetics
Classification: Uncertain significance for Hereditary cancer-predisposing syndrome. Last evaluated: 2025-09-05. Review status: criteria provided, single submitter. Criteria: Ambry Variant Classification Scheme 2023. Collection method: clinical testing. Allele origin: germline.
Comment: The c.88+2T>G intronic variant results from a T to G substitution two nucleotides after coding exon 1 in the EGFR gene. This nucleotide position is well conserved in available vertebrate species. In silico splice site analysis predicts that this alteration will weaken the native splice donor site. Alterations that disrupt the canonical splice site are expected to cause aberrant splicing, resulting in an abnormal protein or a transcript that is subject to nonsense-mediated mRNA decay. Loss-of-function variants subject to nonsense mediated decay (NMD) in EGFR are known to cause EGFR-related neonatal inflammatory skin and bowel disease; however, such associations with EGFR-related lung cancer have not been reported. Based on the supporting evidence, this alteration is likely pathogenic for EGFR-related neonatal inflammatory skin and bowl disease; however, the association of this alteration with EGFR-related lung cancer is unknown.

Labcorp Genetics (formerly Invitae), Labcorp
Classification: Likely pathogenic for EGFR-related lung cancer. Last evaluated: 2023-04-13. Review status: criteria provided, single submitter. Criteria: Invitae Variant Classification Sherloc (09022015). Collection method: clinical testing. Allele origin: germline.
Comment: This sequence change affects a donor splice site in intron 1 of the EGFR gene. It is expected to disrupt RNA splicing. Variants that disrupt the donor or acceptor splice site typically lead to a loss of protein function (PMID: 16199547), and loss-of-function variants in EGFR are known to be pathogenic (PMID: 7630400, 28726809, 29899996). In summary, the currently available evidence indicates that the variant is pathogenic, but additional data are needed to prove that conclusively. Therefore, this variant has been classified as Likely Pathogenic. Algorithms developed to predict the effect of sequence changes on RNA splicing suggest that this variant may disrupt the consensus splice site. This variant has not been reported in the literature in individuals affected with EGFR-related conditions. This variant is present in population databases (no rsID available, gnomAD no frequency).

Literature cited by the submitters: PubMed 16199547 (cited by Labcorp Genetics (formerly Invitae), Labcorp); PubMed 7630400 (cited by Labcorp Genetics (formerly Invitae), Labcorp); PubMed 28726809 (cited by Labcorp Genetics (formerly Invitae), Labcorp); PubMed 29899996 (cited by Labcorp Genetics (formerly Invitae), Labcorp).